The following is an entry in ClinVar:

NM_017534.6(MYH2):c.*51C>A

Genes: MYH2 (myosin heavy chain 2; minus strand), MYHAS (myosin heavy chain gene cluster antisense RNA; plus strand). Cytogenetic location: 17p13.1.
Variant type: single nucleotide variant.
Coding change: c.*51C>A on transcript NM_017534.6 (MANE Select); 51 bases downstream of the stop codon, C replaced by A.
Molecular consequence: 3 prime UTR variant.
Genome position (GRCh38, 1-based): chr17:10,521,229, G>T on the plus strand (C>A on the coding strand, the complement: MYH2 is on the minus strand). VCF-style: chr17-10521229-G-T. GRCh37 (hg19) VCF-style: chr17-10424546-G-T.
Other names: c.*51C>A (NM_001100112.2).
Identifiers: ClinVar variation 885474 (VCV000885474.8), dbSNP rs2286357, ClinGen allele CA8390287.

ClinVar aggregate classification (germline): Benign/Likely benign. Review status: criteria provided, multiple submitters, no conflicts (2 of 4 stars). 3 submissions from 3 submitters: Benign (1); Likely benign (2). Last evaluated 2018-08-25.

Conditions:
Myopathy, proximal, and ophthalmoplegia (CMYO6). Also called: CONGENITAL MYOPATHY 6 WITH OPHTHALMOPLEGIA; INCLUSION BODY MYOPATHY 3, AUTOSOMAL DOMINANT; MYOPATHY WITH CONGENITAL JOINT CONTRACTURES, OPHTHALMOPLEGIA, AND RIMMED VACUOLES. Identifiers: Orphanet 363677, Orphanet 79091, MedGen C1854106, MONDO:0011577, OMIM 605637.

Allele frequency attached by ClinVar (database versions not stated): ESP Exome Variant Server 0.00023; gnomAD 0.00081 and 0.00127; TOPMed 0.00229; 1000 Genomes Project 30x 0.00562; 1000 Genomes Project 0.00639.
gnomAD v4.1: 1,845 of 1,599,416 alleles (0.12%); highest among the groups gnomAD compares: East Asian, 2.8%; 22 homozygotes.

Submissions (3):

GeneDx
Classification: Likely benign. Last evaluated: 2018-08-25. Review status: criteria provided, single submitter. Criteria: GeneDx Variant Classification Process June 2021. Collection method: clinical testing. Allele origin: germline. Affected: yes.

Illumina Laboratory Services, Illumina
Classification: Benign for Myopathy, proximal, and ophthalmoplegia. Last evaluated: 2018-01-12. Review status: criteria provided, single submitter. Criteria: ICSL Variant Classification Criteria 13 December 2019. Collection method: clinical testing. Allele origin: germline.
Comment: This variant was observed in the ICSL laboratory as part of a predisposition screen in an ostensibly healthy population. It had not been previously curated by ICSL or reported in the Human Gene Mutation Database (HGMD: prior to June 1st, 2018), and was therefore a candidate for classification through an automated scoring system. Utilizing variant allele frequency, disease prevalence and penetrance estimates, and inheritance mode, an automated score was calculated to assess if this variant is too frequent to cause the disease. Based on the score and internal cut-off values, a variant classified as benign is not then subjected to further curation. The score for this variant resulted in a classification of benign for this disease.

Breakthrough Genomics
Classification: Likely benign. Review status: criteria provided, single submitter. Criteria: ACMG Guidelines, 2015. Collection method: not provided. Allele origin: germline. Inheritance: Autosomal dominant inheritance. Affected: yes.